The following is an entry in ClinVar:

ClinVar aggregate classification (germline): Uncertain significance (1 of 4 stars; one submission).

Conditions:
Neuroblastoma, susceptibility to, 3. Also called: ALK-Related Neuroblastic Tumor Susceptibility. Identifiers: Orphanet 635, MedGen C2751681, MONDO:0013083, OMIM 613014.

Submission:

Labcorp Genetics (formerly Invitae), Labcorp
Classification: Uncertain significance for Neuroblastoma, susceptibility to, 3. Last evaluated: 2025-08-06. Review status: criteria provided, single submitter. Criteria: Invitae Variant Classification Sherloc (09022015). Collection method: clinical testing. Allele origin: germline.
Comment: This sequence change replaces alanine, which is neutral and non-polar, with glutamic acid, which is acidic and polar, at codon 1479 of the ALK protein (p.Ala1479Glu). This variant is not present in population databases (gnomAD no frequency). This variant has not been reported in the literature in individuals affected with ALK-related conditions. An algorithm developed to predict the effect of missense changes on protein structure and function (PolyPhen-2) suggests that this variant is likely to be disruptive. In summary, the available evidence is currently insufficient to determine the role of this variant in disease. Therefore, it has been classified as a Variant of Uncertain Significance.

NM_004304.5(ALK):c.4436C>A (p.Ala1479Glu)

Gene: ALK (ALK receptor tyrosine kinase; minus strand). Cytogenetic location: 2p23.2.
Variant type: single nucleotide variant.
Coding change: c.4436C>A on transcript NM_004304.5 (MANE Select); coding-DNA position 4436, C replaced by A.
Protein change: p.Ala1479Glu; replaces alanine 1479 with glutamic acid.
Molecular consequence: missense variant.
Genome position (GRCh38, 1-based): chr2:29,193,651, G>T on the plus strand (C>A on the coding strand, the complement: ALK is on the minus strand). VCF-style: chr2-29193651-G-T. GRCh37 (hg19) VCF-style: chr2-29416517-G-T.
Other names: c.1232C>A, p.Ala411Glu (NM_001353765.2); short protein forms A1479E, A411E.
Identifiers: ClinVar variation 4704059 (VCV004704059.1).
Genomic context (GRCh38, chr2:29,193,651, plus strand): 5'-GGCTTGTTTCTGGATCCGTGGACCTTGTGCAACTCCGAAGGAGGGTTGGACTGAGAGAAT[G>T]CCATATTCACGTGTCCCCCTTCCACGGCCGGCCCTCTAGGGACTCGAACAGAGATCTCTG-3'
Protein context (NP_004295.2, residues 1469-1489): PAVEGGHVNM[Ala1479Glu]FSQSNPPSEL